The following is an entry in ClinVar:

ClinVar aggregate classification (germline): Uncertain significance (1 of 4 stars; one submission).

Conditions:
Arterial tortuosity syndrome (ATORS). Identifiers: Orphanet 3342, MedGen C1859726, MONDO:0008818, OMIM 208050.

gnomAD v4.1: 25 of 1,614,252 alleles (0.0015%); highest among the groups gnomAD compares: South Asian, 0.022%; no homozygotes.

Submission:

Labcorp Genetics (formerly Invitae), Labcorp
Classification: Uncertain significance for Arterial tortuosity syndrome. Last evaluated: 2025-06-25. Review status: criteria provided, single submitter. Criteria: Invitae Variant Classification Sherloc (09022015). Collection method: clinical testing. Allele origin: germline.
Comment: This sequence change replaces isoleucine, which is neutral and non-polar, with methionine, which is neutral and non-polar, at codon 462 of the SLC2A10 protein (p.Ile462Met). This variant is present in population databases (rs749489168, gnomAD 0.006%). This variant has not been reported in the literature in individuals affected with SLC2A10-related conditions. Invitae Evidence Modeling of protein sequence and biophysical properties (such as structural, functional, and spatial information, amino acid conservation, physicochemical variation, residue mobility, and thermodynamic stability) indicates that this missense variant is not expected to disrupt SLC2A10 protein function with a negative predictive value of 95%. In summary, the available evidence is currently insufficient to determine the role of this variant in disease. Therefore, it has been classified as a Variant of Uncertain Significance.

NM_030777.4(SLC2A10):c.1386C>G (p.Ile462Met)

Gene: SLC2A10 (solute carrier family 2 member 10; plus strand). Cytogenetic location: 20q13.12.
Variant type: single nucleotide variant.
Coding change: c.1386C>G on transcript NM_030777.4 (MANE Select); coding-DNA position 1386, C replaced by G.
Protein change: p.Ile462Met; replaces isoleucine 462 with methionine.
Molecular consequence: missense variant.
Genome position (GRCh38, 1-based): chr20:46,726,961, C>G. VCF-style: chr20-46726961-C-G. GRCh37 (hg19) VCF-style: chr20-45355600-C-G.
Other names: short protein forms I462M.
Identifiers: ClinVar variation 4748062 (VCV004748062.1).